The following is an entry in ClinVar:

NM_002335.4(LRP5):c.1996G>A (p.Asp666Asn)

Gene: LRP5 (LDL receptor related protein 5; plus strand). Cytogenetic location: 11q13.2.
Variant type: single nucleotide variant.
Coding change: c.1996G>A on transcript NM_002335.4 (MANE Select); coding-DNA position 1996, G replaced by A.
Protein change: p.Asp666Asn; replaces aspartic acid 666 with asparagine.
Molecular consequence: missense variant.
Genome position (GRCh38, 1-based): chr11:68,406,718, G>A. VCF-style: chr11-68406718-G-A. GRCh37 (hg19) VCF-style: chr11-68174186-G-A.
Other names: c.253G>A, p.Asp85Asn (NM_001291902.2); short protein forms D666N, D85N.
Identifiers: ClinVar variation 792835 (VCV000792835.16), dbSNP rs180941579, ClinGen allele CA6149503.

ClinVar aggregate classification (germline): Conflicting classifications of pathogenicity. Review status: criteria provided, conflicting classifications (1 of 4 stars). 5 submissions from 5 submitters: Uncertain significance (1); Benign (1); Likely benign (1). 2 of the submissions do not count toward it. Last evaluated 2025-11-03.

Conditions:
LRP5-related disorder. Also called: LRP5-related condition.
Autosomal dominant osteopetrosis 1 (OPTA1). Also called: OSTEOPETROSIS, AUTOSOMAL DOMINANT, TYPE I. Identifiers: Orphanet 2783, MedGen C1843330, MONDO:0011877, OMIM 607634.
Osteoporosis with pseudoglioma (OPPG). Also called: osteoporosis-pseudoglioma syndrome. Identifiers: Orphanet 2788, MedGen C0432252, MONDO:0009820, OMIM 259770.
Polycystic liver disease 4 with or without kidney cysts. Identifiers: MedGen C4693479, MONDO:0044327, OMIM 617875.
Bone mineral density quantitative trait locus 1 (BMND1). Identifiers: MedGen C1866079, OMIM 601884.
Exudative vitreoretinopathy 4 (EVR4). Identifiers: Orphanet 891, MedGen C1866176, MONDO:0011151, OMIM 601813.
Worth disease. Also called: OSTEOSCLEROSIS, AUTOSOMAL DOMINANT; ENDOSTEAL HYPEROSTOSIS, AUTOSOMAL DOMINANT; Autosomal dominant osteosclerosis, Worth type. Identifiers: Orphanet 2790, MedGen C0432273, MONDO:0007764, OMIM 144750.
Microcephaly. Also called: Microcephaly (disease). Identifiers: MedGen C4551563, MONDO:0001149, HP:0000252.

Allele frequency attached by ClinVar (database versions not stated): gnomAD exomes 0.00007 and 0.00026; gnomAD 0.00009 and 0.00014; TOPMed 0.00015; ExAC 0.00022; 1000 Genomes Project 30x 0.00062; 1000 Genomes Project 0.00080.
gnomAD v4.1: 116 of 1,614,110 alleles (0.0072%); highest among the groups gnomAD compares: East Asian, 0.25%; no homozygotes.

Submissions (5):

Labcorp Genetics (formerly Invitae), Labcorp
Classification: Likely benign. Last evaluated: 2025-11-03. Review status: criteria provided, single submitter. Criteria: Invitae Variant Classification Sherloc (09022015). Collection method: clinical testing. Allele origin: germline.

Fulgent Genetics
Classification: Uncertain significance for Worth disease; Osteoporosis with pseudoglioma; Exudative vitreoretinopathy 4; Bone mineral density quantitative trait locus 1; Autosomal dominant osteopetrosis 1; Polycystic liver disease 4 with or without kidney cysts. Last evaluated: 2024-06-21. Review status: criteria provided, single submitter. Criteria: ACMG Guidelines, 2015. Collection method: clinical testing. Allele origin: germline.

Blueprint Genetics
Classification: Benign. Last evaluated: 2023-08-10. Review status: criteria provided, single submitter. Criteria: ACMG Guidelines, 2015. Collection method: clinical testing. Allele origin: germline.

PreventionGenetics, part of Exact Sciences
Classification: Likely benign for LRP5-related condition. Last evaluated: 2024-08-26. Review status: no assertion criteria provided. Collection method: clinical testing. Allele origin: germline. Not counted in ClinVar's aggregate classification.
Comment: This variant is classified as likely benign based on ACMG/AMP sequence variant interpretation guidelines (Richards et al. 2015 PMID: 25741868, with internal and published modifications).

Department of Pediatrics, Samsung Medical Center, Samsung Medical Center
Classification: Uncertain significance for Microcephaly. Review status: no assertion criteria provided. Criteria: ACMG Guidelines, 2015. Collection method: research. Allele origin: germline. Affected: yes. Not counted in ClinVar's aggregate classification.